The following is an entry in ClinVar:

ClinVar aggregate classification (germline): Uncertain significance (1 of 4 stars; one submission).

Conditions:
Carney-Stratakis syndrome. Also called: PARAGANGLIOMA AND GASTROINTESTINAL STROMAL TUMOR. Identifiers: Orphanet 97286, MedGen C1847319, MONDO:0011740, OMIM 606864.
Paragangliomas with sensorineural hearing loss. Identifiers: MedGen C1868633.
Cowden syndrome 3 (CWS3). Identifiers: Orphanet 201, MedGen CN166604, MONDO:0014045.
Pheochromocytoma. Also called: MAX-Related Hereditary Paraganglioma-Pheochromocytoma Syndrome. Identifiers: Orphanet 29072, MedGen C0031511, MONDO:0008233, OMIM 171300, HP:0002666.

Submission:

Labcorp Genetics (formerly Invitae), Labcorp
Classification: Uncertain significance for Carney-Stratakis syndrome; Paragangliomas with sensorineural hearing loss; Pheochromocytoma; Cowden syndrome 3. Last evaluated: 2023-11-01. Review status: criteria provided, single submitter. Criteria: Invitae Variant Classification Sherloc (09022015). Collection method: clinical testing. Allele origin: germline.
Comment: This sequence change replaces methionine, which is neutral and non-polar, with threonine, which is neutral and polar, at codon 155 of the SDHD protein (p.Met155Thr). This variant is not present in population databases (gnomAD no frequency). This variant has not been reported in the literature in individuals affected with SDHD-related conditions. Advanced modeling of protein sequence and biophysical properties (such as structural, functional, and spatial information, amino acid conservation, physicochemical variation, residue mobility, and thermodynamic stability) has been performed at Invitae for this missense variant, however the output from this modeling did not meet the statistical confidence thresholds required to predict the impact of this variant on SDHD protein function. In summary, the available evidence is currently insufficient to determine the role of this variant in disease. Therefore, it has been classified as a Variant of Uncertain Significance.

NM_003002.4(SDHD):c.464T>C (p.Met155Thr)

Gene: SDHD (succinate dehydrogenase complex subunit D; plus strand). Cytogenetic location: 11q23.1.
Variant type: single nucleotide variant.
Coding change: c.464T>C on transcript NM_003002.4 (MANE Select); coding-DNA position 464, T replaced by C.
Protein change: p.Met155Thr; replaces methionine 155 with threonine.
Molecular consequence: missense variant. On other transcripts: 3 prime UTR variant (2), non-coding transcript variant (1).
Genome position (GRCh38, 1-based): chr11:112,094,954, T>C. VCF-style: chr11-112094954-T-C. GRCh37 (hg19) VCF-style: chr11-111965678-T-C.
Other names: c.*61T>C (NM_001276503.2); c.347T>C, p.Met116Thr (NM_001276504.2); c.*162T>C (NM_001276506.2); short protein forms M116T, M155T.
Identifiers: ClinVar variation 2953446 (VCV002953446.3), dbSNP rs1060503776, ClinGen allele CA382619556.
Genomic context (GRCh38, chr11:112,094,954, plus strand): 5'-CCTTTGCTGGGCTTTGCTATTTCAACTATCACGATGTGGGCATCTGCAAAGCTGTTGCCA[T>C]GCTGTGGAAGCTCTGACCTTTTTGACTTCATACTTTGAAGAATTGATGTATGCCTCTTTG-3'
Protein context (NP_002993.1, residues 145-159): HDVGICKAVA[Met155Thr]LWKL